The following is an entry in ClinVar:

ClinVar aggregate classification (germline): Conflicting classifications of pathogenicity. Review status: criteria provided, conflicting classifications (1 of 4 stars). 3 submissions from 3 submitters: Uncertain significance (1); Likely benign (1). 1 of the submissions does not count toward it. Last evaluated 2023-11-01.

Conditions:
ARX-related disorder. Also called: ARX-Related Disorders; ARX-related condition. Identifiers: MedGen CN378769.
Developmental and epileptic encephalopathy, 1 (DEE1). Also called: OHTAHARA SYNDROME, X-LINKED; INFANTILE SPASM SYNDROME, X-LINKED 1; X-linked infantile spasms; West's syndrome; Tonic spasms with clustering, arrest of psychomotor development and hypsarrhythmia on EEG; X-Linked Infantile Spasm Syndrome. Identifiers: MedGen C3463992, MONDO:0010632, OMIM 308350. Disease mechanism: loss of function.
Intellectual disability, X-linked, with or without seizures, ARX-related. Also called: Mental retardation, X-linked 52; INTELLECTUAL DEVELOPMENTAL DISORDER, X-LINKED 29; MENTAL RETARDATION, X-LINKED 29; MENTAL RETARDATION, X-LINKED 32; MENTAL RETARDATION, X-LINKED 33; MENTAL RETARDATION, X-LINKED 38. Identifiers: Orphanet 777, MedGen C0796244, MONDO:0010317, OMIM 300419.

Submissions (3):

CeGaT Center for Human Genetics Tuebingen
Classification: Likely benign. Last evaluated: 2023-11-01. Review status: criteria provided, single submitter. Criteria: CeGaT Center For Human Genetics Tuebingen Variant Classification Criteria Version 2. Collection method: clinical testing. Allele origin: germline. Affected: yes. Observed: 1 variant allele.
Comment: ARX: BP3

Labcorp Genetics (formerly Invitae), Labcorp
Classification: Uncertain significance for Developmental and epileptic encephalopathy, 1; Intellectual disability, X-linked, with or without seizures, ARX-related. Last evaluated: 2021-08-28. Review status: criteria provided, single submitter. Criteria: Invitae Variant Classification Sherloc (09022015). Collection method: clinical testing. Allele origin: germline.
Comment: This variant, c.1312_1320del, results in the deletion of 3 amino acid(s) of the ARX protein (p.Ala438_Ala440del), but otherwise preserves the integrity of the reading frame. The frequency data for this variant in the population databases is considered unreliable, as metrics indicate insufficient coverage at this position in the ExAC database. This variant has not been reported in the literature in individuals affected with ARX-related conditions. Experimental studies and prediction algorithms are not available or were not evaluated, and the functional significance of this variant is currently unknown. In summary, the available evidence is currently insufficient to determine the role of this variant in disease. Therefore, it has been classified as a Variant of Uncertain Significance.

PreventionGenetics, part of Exact Sciences
Classification: Uncertain significance for ARX-related condition. Last evaluated: 2024-01-25. Review status: no assertion criteria provided. Collection method: clinical testing. Allele origin: germline. Not counted in ClinVar's aggregate classification.
Comment: The ARX c.1312_1320del9 variant is predicted to result in an in-frame deletion (p.Ala438_Ala440del). To our knowledge, this variant has not been reported in the literature. This variant is reported in 0.0082% of alleles in individuals of European (Non-Finnish) descent in gnomAD. At this time, the clinical significance of this variant is uncertain due to the absence of conclusive functional and genetic evidence.

NM_139058.3(ARX):c.1300GCC[4] (p.Ala438_Ala440del)

Gene: ARX (aristaless related homeobox; minus strand). Cytogenetic location: Xp21.3.
Variant type: Microsatellite.
Coding change: c.1300GCC[4] on transcript NM_139058.3 (MANE Select); four copies in a row of the 3-base unit GCC starting at c.1300; the reference has seven copies in a row; three copies, 9 bases deleted.
Protein change: p.Ala438_Ala440del.
Molecular consequence: inframe deletion.
Genome position (GRCh38, 1-based): chrX:25,007,239-25,007,247, GGCGGCGGC deleted on the plus strand (GCCGCCGCC on the coding strand, the reverse complement: ARX is on the minus strand); deleting any 9 consecutive bases within chrX:25,007,239-25,007,259 gives the same sequence; the position shown is the placement nearest the transcript's 3' end. VCF-style (leftmost placement, unchanged base first): chrX-25007238-AGGCGGCGGC-A. GRCh37 (hg19) VCF-style: chrX-25025355-AGGCGGCGGC-A.
Other names: c.1312_1320del9 (NM_139058.2).
Identifiers: ClinVar variation 1014281 (VCV001014281.30), dbSNP rs398124508, ClinGen allele CA327732616.
Genomic context (GRCh38, chrX:25,007,238, plus strand): 5'-CCAGCGGCGCCCCGCTGGGCGGCAGGCTGGCCGAGCCCGGAGGCGGAGGTAGGCTCGGGA[AGGCGGCGGC>A]GGCGGCGGCGGCAGCGGCAGTCCAAGCGGAGTCGAGCGCCGGGTGGTGCGGAGGGAAGGG-3'